The following is an entry in ClinVar:

ClinVar aggregate classification (germline): Uncertain significance (1 of 4 stars; one submission).

Conditions:
Melanoma, cutaneous malignant, susceptibility to, 5. Also called: Cutaneous malignant melanoma 5. Identifiers: Orphanet 618, MedGen C2751295, MONDO:0013133, OMIM 613099.

Allele frequency attached by ClinVar (database versions not stated): TOPMed below 0.00001; gnomAD 0.00001.
gnomAD v4.1: 13 of 1,612,546 alleles (0.00081%); highest among the groups gnomAD compares: Non-Finnish European, 0.00093%; no homozygotes.

Submission:

Labcorp Genetics (formerly Invitae), Labcorp
Classification: Uncertain significance for Melanoma, cutaneous malignant, susceptibility to, 5. Last evaluated: 2023-11-07. Review status: criteria provided, single submitter. Criteria: Invitae Variant Classification Sherloc (09022015). Collection method: clinical testing. Allele origin: germline.
Comment: This sequence change replaces leucine, which is neutral and non-polar, with valine, which is neutral and non-polar, at codon 26 of the MC1R protein (p.Leu26Val). This variant is not present in population databases (gnomAD no frequency). This missense change has been observed in individual(s) with melanoma (PMID: 25736238). ClinVar contains an entry for this variant (Variation ID: 945375). Advanced modeling of protein sequence and biophysical properties (such as structural, functional, and spatial information, amino acid conservation, physicochemical variation, residue mobility, and thermodynamic stability) performed at Invitae indicates that this missense variant is not expected to disrupt MC1R protein function with a negative predictive value of 95%. In summary, the available evidence is currently insufficient to determine the role of this variant in disease. Therefore, it has been classified as a Variant of Uncertain Significance.

Literature cited by the submitters: PubMed 25736238.

NM_002386.4(MC1R):c.76C>G (p.Leu26Val)

Gene: MC1R (melanocortin 1 receptor; plus strand). Cytogenetic location: 16q24.3.
Variant type: single nucleotide variant.
Coding change: c.76C>G on transcript NM_002386.4 (MANE Select); coding-DNA position 76, C replaced by G.
Protein change: p.Leu26Val; replaces leucine 26 with valine.
Molecular consequence: missense variant.
Genome position (GRCh38, 1-based): chr16:89,919,334, C>G. VCF-style: chr16-89919334-C-G. GRCh37 (hg19) VCF-style: chr16-89985742-C-G.
Other names: short protein forms L26V.
Identifiers: ClinVar variation 945375 (VCV000945375.7), dbSNP rs777400906, ClinGen allele CA286607350.
Genomic context (GRCh38, chr16:89,919,334, plus strand): 5'-TCCCAGAGAAGACTTCTGGGCTCCCTCAACTCCACCCCCACAGCCATCCCCCAGCTGGGG[C>G]TGGCTGCCAACCAGACAGGAGCCCGGTGCCTGGAGGTGTCCATCTCTGACGGGCTCTTCC-3'
Protein context (NP_002377.4, residues 16-36): STPTAIPQLG[Leu26Val]AANQTGARCL